The following is an entry in ClinVar:

ClinVar aggregate classification (germline): Likely benign. Review status: criteria provided, multiple submitters, no conflicts (2 of 4 stars). 3 submissions from 3 submitters: Likely benign (2). 1 of the submissions does not count toward it. Last evaluated 2024-10-29.

Conditions:
PKD1-related disorder. Also called: PKD1-related condition.
Polycystic kidney disease, adult type (PKD1). Also called: Polycystic Kidney Disease 1, Autosomal Dominant; Polycystic kidney disease 1; Polycystic kidney disease 1, severe; POLYCYSTIC KIDNEY DISEASE 1 WITH OR WITHOUT POLYCYSTIC LIVER DISEASE; POLYCYSTIC KIDNEY DISEASE, ADULT, TYPE I; Polycystic Kidney, Autosomal Dominant. Identifiers: MedGen C3149841, MONDO:0008263, OMIM 173900.

gnomAD v4.1: 265 of 1,600,150 alleles (0.017%); highest among the groups gnomAD compares: African/African-American, 0.057%; no homozygotes.

Submissions (3):

Blueprint Genetics
Classification: Likely benign. Last evaluated: 2024-10-29. Review status: criteria provided, single submitter. Criteria: ACMG Guidelines, 2015. Collection method: clinical testing. Allele origin: germline.

Department of Pathology and Laboratory Medicine, Sinai Health System
Classification: Likely benign for Polycystic kidney disease, adult type. Last evaluated: 2020-06-08. Review status: criteria provided, single submitter. Criteria: ACMG Guidelines, 2015. Collection method: clinical testing. Allele origin: germline. Affected: yes.

PreventionGenetics, part of Exact Sciences
Classification: Uncertain significance for PKD1-related condition. Last evaluated: 2024-06-07. Review status: no assertion criteria provided. Collection method: clinical testing. Allele origin: germline. Not counted in ClinVar's aggregate classification.
Comment: The PKD1 c.8594G>A variant is predicted to result in the amino acid substitution p.Arg2865Gln. This variant has been reported in individuals undergoing testing for chronic and polycystic kidney disease (Table S2, Fujimaru et al. 2018. PubMed ID: 29520754; Table 1: patient 2, Vaisitti et al. 2020. PubMed ID: 33226606). This variant is reported in 0.061% of alleles in individuals of African descent in gnomAD, which may be too common to be a primary cause of disease. Although we suspect that this variant may be benign, at this time, the clinical significance of this variant is uncertain due to the absence of conclusive functional and genetic evidence.

NM_001009944.3(PKD1):c.8594G>A (p.Arg2865Gln)

Gene: PKD1 (polycystin 1, transient receptor potential channel interacting; minus strand). Cytogenetic location: 16p13.3.
Variant type: single nucleotide variant.
Coding change: c.8594G>A on transcript NM_001009944.3 (MANE Select); coding-DNA position 8594, G replaced by A.
Protein change: p.Arg2865Gln; replaces arginine 2865 with glutamine.
Molecular consequence: missense variant.
Genome position (GRCh38, 1-based): chr16:2,103,463, C>T on the plus strand (G>A on the coding strand, the complement: PKD1 is on the minus strand). VCF-style: chr16-2103463-C-T. GRCh37 (hg19) VCF-style: chr16-2153464-C-T.
Other names: c.8594G>A, p.Arg2865Gln (NM_000296.4); short protein forms R2865Q.
Identifiers: ClinVar variation 3356274 (VCV003356274.3).